The following is an entry in ClinVar:

NM_004360.5(CDH1):c.2260del (p.Tyr754fs)

Gene: CDH1 (cadherin 1; plus strand). Cytogenetic location: 16q22.1.
Variant type: Deletion.
Coding change: c.2260del on transcript NM_004360.5 (MANE Select); coding-DNA position 2260, one base deleted (T; older notation c.2260delT).
Protein change: p.Tyr754fs; shifts the reading frame from tyrosine 754.
Molecular consequence: frameshift variant.
Genome position (GRCh38, 1-based): chr16:68,828,269, T deleted; the last of 2 consecutive T bases (chr16:68,828,268-68,828,269); deleting either gives the same sequence. VCF-style (leftmost placement, unchanged base first): chr16-68828267-AT-A. GRCh37 (hg19) VCF-style: chr16-68862170-AT-A.
Other names: c.2077del, p.Tyr693fs (NM_001317184.2); c.712del, p.Tyr238fs (NM_001317185.2); c.295del, p.Tyr99fs (NM_001317186.2); short protein forms Y99fs, Y754fs, Y238fs, Y693fs.
Identifiers: ClinVar variation 4736201 (VCV004736201.1).

ClinVar aggregate classification (germline): Pathogenic (1 of 4 stars; one submission).

Conditions:
Hereditary diffuse gastric adenocarcinoma (HDGC). Also called: DIFFUSE GASTRIC AND LOBULAR BREAST CANCER SYNDROME. Identifiers: Orphanet 26106, MedGen C1708349, MONDO:0007648, OMIM 137215.

Submission:

Labcorp Genetics (formerly Invitae), Labcorp
Classification: Pathogenic for Hereditary diffuse gastric adenocarcinoma. Last evaluated: 2026-01-26. Review status: criteria provided, single submitter. Criteria: Invitae Variant Classification Sherloc (09022015). Collection method: clinical testing. Allele origin: germline.
Comment: This sequence change creates a premature translational stop signal (p.Tyr754Thrfs*16) in the CDH1 gene. It is expected to result in an absent or disrupted protein product. Loss-of-function variants in CDH1 are known to be pathogenic (PMID: 15235021, 20373070). This variant is not present in population databases (gnomAD no frequency). This variant has not been reported in the literature in individuals affected with CDH1-related conditions. For these reasons, this variant has been classified as Pathogenic.

Literature cited by the submitters: PubMed 15235021; PubMed 20373070.